The following is an entry in ClinVar:

NM_001372051.1(CASP8):c.959A>C (p.Lys320Thr)

Gene: CASP8 (caspase 8; plus strand). Cytogenetic location: 2q33.1.
Variant type: single nucleotide variant.
Coding change: c.959A>C on transcript NM_001372051.1 (MANE Select); coding-DNA position 959, A replaced by C.
Protein change: p.Lys320Thr; replaces lysine 320 with threonine.
Molecular consequence: missense variant. On other transcripts: non-coding transcript variant (22), intron variant (1).
Genome position (GRCh38, 1-based): chr2:201,284,972, A>C. VCF-style: chr2-201284972-A-C. GRCh37 (hg19) VCF-style: chr2-202149695-A-C.
Other names: c.914A>C, p.Lys305Thr (NM_001080124.2, NM_001400658.1, NM_001400659.1 and 5 more transcripts); c.1136A>C, p.Lys379Thr (NM_001080125.2); c.1010A>C, p.Lys337Thr (NM_001228.5); c.1091A>C, p.Lys364Thr (NM_001400642.1); c.992A>C, p.Lys331Thr (NM_001400645.1); c.959A>C, p.Lys320Thr (NM_001400648.1, NM_001400651.1, NM_001400653.1 and 5 more transcripts); c.890A>C, p.Lys297Thr (NM_001400664.1); c.884A>C, p.Lys295Thr (NM_001400665.1); and 7 more; short protein forms K305T, K337T, K320T, K379T, K106T, K115T, K121T, K217T.
Identifiers: ClinVar variation 1431681 (VCV001431681.3), dbSNP rs2125482312, ClinGen allele CA350300168.
Genomic context (GRCh38, chr2:201,284,972, plus strand): 5'-AACTCATGGACCACAGTAACATGGACTGCTTCATCTGCTGTATCCTCTCCCATGGAGACA[A>C]GGGCATCATCTATGGCACTGATGGACAGGAGGCCCCCATCTATGAGCTGACATCTCAGTT-3'
Protein context (NP_001358980.1, residues 310-330): FICCILSHGD[Lys320Thr]GIIYGTDGQE

ClinVar aggregate classification (germline): Uncertain significance (1 of 4 stars; one submission).

Conditions:
Autoimmune lymphoproliferative syndrome type 2B. Also called: AUTOIMMUNE LYMPHOPROLIFERATIVE SYNDROME, TYPE IIB. Identifiers: Orphanet 275517, MedGen C1846545, MONDO:0011804, OMIM 607271.

gnomAD v4.1: 1 of 1,614,146 alleles (0.000062%); no homozygotes.

Submission:

Labcorp Genetics (formerly Invitae), Labcorp
Classification: Uncertain significance for Autoimmune lymphoproliferative syndrome type 2B. Last evaluated: 2022-07-15. Review status: criteria provided, single submitter. Criteria: Invitae Variant Classification Sherloc (09022015). Collection method: clinical testing. Allele origin: germline.
Comment: This sequence change replaces lysine, which is basic and polar, with threonine, which is neutral and polar, at codon 337 of the CASP8 protein (p.Lys337Thr). This variant is not present in population databases (gnomAD no frequency). This variant has not been reported in the literature in individuals affected with CASP8-related conditions. ClinVar contains an entry for this variant (Variation ID: 1431681). Algorithms developed to predict the effect of missense changes on protein structure and function are either unavailable or do not agree on the potential impact of this missense change (SIFT: "Deleterious"; PolyPhen-2: "Benign"; Align-GVGD: "Class C0"). In summary, the available evidence is currently insufficient to determine the role of this variant in disease. Therefore, it has been classified as a Variant of Uncertain Significance.